The following is an entry in ClinVar:

ClinVar aggregate classification (germline): Uncertain significance (1 of 4 stars; one submission).

Conditions:
Familial thoracic aortic aneurysm and aortic dissection (TAAD). Also called: Thoracic aortic aneurysms and dissections. Identifiers: Orphanet 91387, MedGen C4707243, MONDO:0019625.

Submission:

Color Diagnostics, LLC DBA Color Health
Classification: Uncertain significance for Familial thoracic aortic aneurysm and aortic dissection. Last evaluated: 2025-01-13. Review status: criteria provided, single submitter. Criteria: ACMG Guidelines, 2015. Collection method: clinical testing. Allele origin: germline.
Comment: This missense variant replaces glutamine with lysine at codon 208 of the TGFBR1 protein. Computational prediction suggests that this variant may have a deleterious impact on protein structure and function. To our knowledge, functional studies have not been reported for this variant. This variant has not been reported in individuals affected with TGFBR1-related disorders in the literature. This variant has not been identified in the general population by the Genome Aggregation Database (gnomAD). The available evidence is insufficient to determine the role of this variant in disease conclusively. Therefore, this variant is classified as a Variant of Uncertain Significance.

NM_004612.4(TGFBR1):c.622C>A (p.Gln208Lys)

Gene: TGFBR1 (transforming growth factor beta receptor 1; plus strand). Cytogenetic location: 9q22.33.
Variant type: single nucleotide variant.
Coding change: c.622C>A on transcript NM_004612.4 (MANE Select); coding-DNA position 622, C replaced by A.
Protein change: p.Gln208Lys; replaces glutamine 208 with lysine.
Molecular consequence: missense variant. On other transcripts: non-coding transcript variant (4), intron variant (2).
Genome position (GRCh38, 1-based): chr9:99,137,906, C>A. VCF-style: chr9-99137906-C-A. GRCh37 (hg19) VCF-style: chr9-101900188-C-A.
Other names: c.391C>A, p.Gln131Lys (NM_001130916.3); c.634C>A, p.Gln212Lys (NM_001306210.2, NM_001407416.1); c.622C>A, p.Gln208Lys (NM_001407417.1); c.427C>A, p.Gln143Lys (NM_001407418.1, NM_001407419.1, NM_001407420.1 and 1 more transcripts); c.415C>A, p.Gln139Lys (NM_001407423.1, NM_001407424.1, NM_001407425.1 and 8 more transcripts); c.376C>A, p.Gln126Lys (NM_001407436.1); c.145C>A, p.Gln49Lys (NM_001407438.1); c.575-4630C>A (NM_001407435.1); and 1 more; short protein forms Q126K, Q131K, Q139K, Q143K, Q208K, Q212K, Q49K.
Identifiers: ClinVar variation 3894229 (VCV003894229.1).